The following is an entry in ClinVar:

NM_000552.5(VWF):c.6366G>T (p.Thr2122=)

Gene: VWF (von Willebrand factor; minus strand). Cytogenetic location: 12p13.31.
Variant type: single nucleotide variant.
Coding change: c.6366G>T on transcript NM_000552.5 (MANE Select); coding-DNA position 6366, G replaced by T.
Protein change: p.Thr2122=; no amino-acid change (threonine 2122 retained).
Molecular consequence: synonymous variant.
Genome position (GRCh38, 1-based): chr12:5,994,094, C>A on the plus strand (G>T on the coding strand, the complement: VWF is on the minus strand). VCF-style: chr12-5994094-C-A. GRCh37 (hg19) VCF-style: chr12-6103260-C-A.
Identifiers: ClinVar variation 3572180 (VCV003572180.1).

ClinVar aggregate classification (germline): Uncertain significance (1 of 4 stars; one submission).

Submission:

Quest Diagnostics Nichols Institute San Juan Capistrano
Classification: Uncertain significance. Last evaluated: 2024-10-18. Review status: criteria provided, single submitter. Criteria: Quest Diagnostics criteria. Collection method: clinical testing. Allele origin: unknown.
Comment: The VWF c.6366G>T (p.Thr2122=) synonymous variant has not been reported in individuals with VWF-related conditions in the published literature. It also has not been reported in large, multi-ethnic general populations (Genome Aggregation Database). Analysis of this variant using software algorithms for the prediction of the effect of nucleotide changes on splicing yielded predictions that this variant does not affect VWF mRNA splicing. Based on the available information, we are unable to determine the clinical significance of this variant.

Literature cited by the submitters: PubMed 37258531; PubMed 32989326; PubMed 23690449.